The following is an entry in ClinVar:

ClinVar aggregate classification (germline): Uncertain significance. Review status: criteria provided, multiple submitters, no conflicts (2 of 4 stars). 3 submissions from 3 submitters: Uncertain significance (2). 1 of the submissions does not count toward it. Last evaluated 2023-04-26.

Conditions:
Hereditary cancer-predisposing syndrome. Also called: Hereditary neoplastic syndrome; Neoplastic Syndromes, Hereditary; Tumor predisposition; Hereditary Cancer Syndrome. Identifiers: Orphanet 140162, MedGen C0027672, MeSH D009386, MONDO:0015356.
Ataxia-telangiectasia syndrome (AT). Also called: LOUIS-BAR SYNDROME; Cerebello-oculocutaneous telangiectasia; Immunodeficiency with ataxia telangiectasia; AT, COMPLEMENTATION GROUP C; Ataxia-telangiectasia, complementation group D; ATAXIA-TELANGIECTASIA, COMPLEMENTATION GROUP A. Identifiers: Orphanet 100, MedGen C0004135, MONDO:0008840, OMIM 208900.

Allele frequency attached by ClinVar (database versions not stated): gnomAD exomes below 0.00001.
gnomAD v4.1: 2 of 1,614,110 alleles (0.00012%); highest among the groups gnomAD compares: Middle Eastern, 0.017%; no homozygotes.

Submissions (3):

Labcorp Genetics (formerly Invitae), Labcorp
Classification: Uncertain significance for Ataxia-telangiectasia syndrome. Last evaluated: 2023-04-26. Review status: criteria provided, single submitter. Criteria: Invitae Variant Classification Sherloc (09022015). Collection method: clinical testing. Allele origin: germline.
Comment: In summary, the available evidence is currently insufficient to determine the role of this variant in disease. Therefore, it has been classified as a Variant of Uncertain Significance. An algorithm developed to predict the effect of missense changes on protein structure and function (PolyPhen-2) suggests that this variant is likely to be tolerated. ClinVar contains an entry for this variant (Variation ID: 482678). This variant has not been reported in the literature in individuals affected with ATM-related conditions. This variant is present in population databases (no rsID available, gnomAD 0.0009%). This sequence change replaces serine, which is neutral and polar, with phenylalanine, which is neutral and non-polar, at codon 681 of the ATM protein (p.Ser681Phe).

Ambry Genetics
Classification: Uncertain significance for Hereditary cancer-predisposing syndrome. Last evaluated: 2017-01-13. Review status: criteria provided, single submitter. Criteria: Ambry Variant Classification Scheme 2023. Collection method: clinical testing. Allele origin: germline.
Comment: The p.S681F variant (also known as c.2042C>T), located in coding exon 12 of the ATM gene, results from a C to T substitution at nucleotide position 2042. The serine at codon 681 is replaced by phenylalanine, an amino acid with highly dissimilar properties. This amino acid position is well conserved in available vertebrate species. In addition, this alteration is predicted to be tolerated by in silico analysis. Since supporting evidence is limited at this time, the clinical significance of this alteration remains unclear.

Natera, Inc.
Classification: Uncertain significance for Ataxia-telangiectasia. Last evaluated: 2020-07-20. Review status: no assertion criteria provided. Collection method: clinical testing. Allele origin: germline. Not counted in ClinVar's aggregate classification.

NM_000051.4(ATM):c.2042C>T (p.Ser681Phe)

Gene: ATM (ATM serine/threonine kinase; plus strand). Cytogenetic location: 11q22.3.
Variant type: single nucleotide variant.
Coding change: c.2042C>T on transcript NM_000051.4 (MANE Select); coding-DNA position 2042, C replaced by T.
Protein change: p.Ser681Phe; replaces serine 681 with phenylalanine.
Molecular consequence: missense variant.
Genome position (GRCh38, 1-based): chr11:108,253,957, C>T. VCF-style: chr11-108253957-C-T. GRCh37 (hg19) VCF-style: chr11-108124684-C-T.
Other names: c.2042C>T, p.Ser681Phe (NM_001351834.2); short protein forms S681F.
Identifiers: ClinVar variation 482678 (VCV000482678.17), dbSNP rs1060501585, ClinGen allele CA382537421.